The following is an entry in ClinVar:

ClinVar aggregate classification (germline): Uncertain significance (1 of 4 stars; one submission).

Conditions:
Long QT syndrome (LQTS). Identifiers: MedGen C0023976, MeSH D008133, MONDO:0002442. Disease mechanism: loss of function. Inheritance: Various modes of inheritance.

Submission:

Labcorp Genetics (formerly Invitae), Labcorp
Classification: Uncertain significance for Long QT syndrome. Last evaluated: 2024-01-08. Review status: criteria provided, single submitter. Criteria: Invitae Variant Classification Sherloc (09022015). Collection method: clinical testing. Allele origin: germline.
Comment: This variant results in a copy number gain of the genomic region encompassing exon(s) 47 of the CACNA1C gene. This region includes the termination codon of the gene. This copy number gain extends beyond the assayed region for this gene and therefore may encompass additional genes. As the precise location of this event is unknown, it may be in tandem or it may be located elsewhere in the genome. This variant has not been reported in the literature in individuals affected with CACNA1C-related conditions. In summary, the available evidence is currently insufficient to determine the role of this variant in disease. Therefore, it has been classified as a Variant of Uncertain Significance.

NC_000012.11:g.(?_2800046)_(2800365_?)dup

Gene: CACNA1C (calcium voltage-gated channel subunit alpha1 C; plus strand). Cytogenetic location: 12p13.33.
Variant type: Duplication.
Identifiers: ClinVar variation 1496564 (VCV001496564.6).